The following is an entry in ClinVar:

NM_020717.5(SHROOM4):c.3756C>T (p.Ser1252=)

Gene: SHROOM4 (shroom family member 4; minus strand). Cytogenetic location: Xp11.22.
Variant type: single nucleotide variant.
Coding change: c.3756C>T on transcript NM_020717.5 (MANE Select); coding-DNA position 3756, C replaced by T.
Protein change: p.Ser1252=; no amino-acid change (serine 1252 retained).
Molecular consequence: synonymous variant. On other transcripts: non-coding transcript variant (4).
Genome position (GRCh38, 1-based): chrX:50,607,386, G>A on the plus strand (C>T on the coding strand, the complement: SHROOM4 is on the minus strand). VCF-style: chrX-50607386-G-A. GRCh37 (hg19) VCF-style: chrX-50350386-G-A.
Identifiers: ClinVar variation 2660558 (VCV002660558.24), dbSNP rs782750504, ClinGen allele CA10415919.

ClinVar aggregate classification (germline): Likely benign (1 of 4 stars; one submission).

Allele frequency attached by ClinVar (database versions not stated): TOPMed 0.00003; ExAC 0.00004; gnomAD exomes 0.00003; gnomAD 0.00003.
gnomAD v4.1: 32 of 1,208,785 alleles (0.0026%); highest among the groups gnomAD compares: South Asian, 0.019%; no homozygotes.

Submission:

CeGaT Center for Human Genetics Tuebingen
Classification: Likely benign. Last evaluated: 2023-04-01. Review status: criteria provided, single submitter. Criteria: CeGaT Center For Human Genetics Tuebingen Variant Classification Criteria Version 2. Collection method: clinical testing. Allele origin: germline. Affected: yes. Observed: 1 variant allele.
Comment: SHROOM4: BP4, BP7, BS2